The following is an entry in ClinVar:

NM_007375.4(TARDBP):c.1148T>C (p.Ile383Thr)

Gene: TARDBP (TAR DNA binding protein; plus strand). Cytogenetic location: 1p36.22.
Variant type: single nucleotide variant.
Coding change: c.1148T>C on transcript NM_007375.4 (MANE Select); coding-DNA position 1148, T replaced by C.
Protein change: p.Ile383Thr; replaces isoleucine 383 with threonine.
Molecular consequence: missense variant.
Genome position (GRCh38, 1-based): chr1:11,022,557, T>C. VCF-style: chr1-11022557-T-C. GRCh37 (hg19) VCF-style: chr1-11082614-T-C.
Other names: short protein forms I383T.
Identifiers: ClinVar variation 2948176 (VCV002948176.4), dbSNP rs2521343485, ClinGen allele CA338368363.

ClinVar aggregate classification (germline): Uncertain significance. Review status: criteria provided, single submitter (1 of 4 stars). 2 submissions from 2 submitters: Uncertain significance (1). 1 of the submissions does not count toward it. Last evaluated 2023-05-23.

Conditions:
TARDBP-related disorder. Also called: TARDBP-related condition.
Amyotrophic lateral sclerosis type 10 (ALS10). Also called: AMYOTROPHIC LATERAL SCLEROSIS 10 WITHOUT FRONTOTEMPORAL DEMENTIA AND WITH TDP43 INCLUSIONS; AMYOTROPHIC LATERAL SCLEROSIS 10 WITH OR WITHOUT FRONTOTEMPORAL DEMENTIA AND WITH TDP43 INCLUSIONS; AMYOTROPHIC LATERAL SCLEROSIS 10 WITH OR WITHOUT FRONTOTEMPORAL DEMENTIA; TARDBP-Related Amyotrophic Lateral Sclerosis-Frontotemporal Dementia; Amyotrophic lateral sclerosis 10, with or without FTD. Identifiers: Orphanet 275872, Orphanet 803, MedGen C2677565, MONDO:0012790, OMIM 612069.
FRONTOTEMPORAL LOBAR DEGENERATION WITH TDP43 INCLUSIONS, TARDBP-RELATED. Also called: Frontotemporal lobar degeneration, TARDBP-related. Identifiers: MedGen C3150169, OMIM 612069.

Submissions (2):

Labcorp Genetics (formerly Invitae), Labcorp
Classification: Uncertain significance for Amyotrophic lateral sclerosis type 10; FRONTOTEMPORAL LOBAR DEGENERATION WITH TDP43 INCLUSIONS, TARDBP-RELATED. Last evaluated: 2023-05-23. Review status: criteria provided, single submitter. Criteria: Invitae Variant Classification Sherloc (09022015). Collection method: clinical testing. Allele origin: germline.
Comment: In summary, the available evidence is currently insufficient to determine the role of this variant in disease. Therefore, it has been classified as a Variant of Uncertain Significance. This variant disrupts the p.Ile383 amino acid residue in TARDBP. Other variant(s) that disrupt this residue have been determined to be pathogenic (PMID: 25681989, 26581115, 30773994, 33159016). This suggests that this residue is clinically significant, and that variants that disrupt this residue are likely to be disease-causing. An algorithm developed to predict the effect of missense changes on protein structure and function (PolyPhen-2) suggests that this variant is likely to be tolerated. This variant has not been reported in the literature in individuals affected with TARDBP-related conditions. This variant is not present in population databases (gnomAD no frequency). This sequence change replaces isoleucine, which is neutral and non-polar, with threonine, which is neutral and polar, at codon 383 of the TARDBP protein (p.Ile383Thr).

PreventionGenetics, part of Exact Sciences
Classification: Likely pathogenic for TARDBP-related condition. Last evaluated: 2024-07-31. Review status: no assertion criteria provided. Collection method: clinical testing. Allele origin: germline. Not counted in ClinVar's aggregate classification.
Comment: The TARDBP c.1148T>C variant is predicted to result in the amino acid substitution p.Ile383Thr. This variant has been reported in an in vitro functional study that used iPS-derived motor neurons from a patient, harboring this variant, with amyotrophic lateral sclerosis (ALS) to demonstrate that expression of this variant results in impaired calcium uptake by mitochondria (Dafinca et al. 2020. PubMed ID: 32330447). This variant has not been reported in a large population database, indicating this variant is rare. This variant is located within the conserved C-terminal region of TARDBP, where missense change is not expected to be tolerated and is considered a hot spot for ALS-causing variants (Tiloca et al. 2022. PubMed ID: 36247987). Additionally, a different missense change impacting the same amino acid (c.1147A>G, p.Ile383Val) has been reported to be causative for ALS (Rutherford et al. 2008. PubMed ID: 18802454; Ticozzi et al. 2012. PubMed ID: 20031275). This variant is interpreted as likely pathogenic.

Literature cited by the submitters: PubMed 25681989 (cited by Labcorp Genetics (formerly Invitae), Labcorp); PubMed 26581115 (cited by Labcorp Genetics (formerly Invitae), Labcorp); PubMed 30773994 (cited by Labcorp Genetics (formerly Invitae), Labcorp); PubMed 33159016 (cited by Labcorp Genetics (formerly Invitae), Labcorp).